The following is an entry in ClinVar:

NM_001035.3(RYR2):c.7303G>C (p.Val2435Leu)

Gene: RYR2 (ryanodine receptor 2; plus strand). Cytogenetic location: 1q43.
Variant type: single nucleotide variant.
Coding change: c.7303G>C on transcript NM_001035.3 (MANE Select); coding-DNA position 7303, G replaced by C.
Protein change: p.Val2435Leu; replaces valine 2435 with leucine.
Molecular consequence: missense variant.
Genome position (GRCh38, 1-based): chr1:237,643,408, G>C. VCF-style: chr1-237643408-G-C. GRCh37 (hg19) VCF-style: chr1-237806708-G-C.
Other names: short protein forms V2435L.
Identifiers: ClinVar variation 1023404 (VCV001023404.12), dbSNP rs188835713, ClinGen allele CA39791982.
Genomic context (GRCh38, chr1:237,643,408, plus strand): 5'-GAAGCCATCAGAATTAGGTCCATTTTGAGATCCCTCATTCCCCTGGGAGATTTGGTGGGC[G>C]TTATCAGCATCGCTTTTCAGATGCCAACAATAGCCAAAGGTAAGGCCAACTTCAATTTGT-3'
Protein context (NP_001026.2, residues 2425-2445): SLIPLGDLVG[Val2435Leu]ISIAFQMPTI

ClinVar aggregate classification (germline): Uncertain significance. Review status: criteria provided, multiple submitters, no conflicts (2 of 4 stars). 4 submissions from 4 submitters: Uncertain significance (4). Last evaluated 2025-09-30.

Conditions:
Catecholaminergic polymorphic ventricular tachycardia 1. Also called: RYR2-Related Catecholaminergic Polymorphic Ventricular Tachycardia; VENTRICULAR TACHYCARDIA, CATECHOLAMINERGIC POLYMORPHIC, 1, WITH OR WITHOUT ATRIAL DYSFUNCTION AND/OR DILATED CARDIOMYOPATHY; VENTRICULAR TACHYCARDIA, STRESS-INDUCED POLYMORPHIC 1. Identifiers: Orphanet 3286, MedGen C1631597, MONDO:0011484, OMIM 604772.
Catecholaminergic polymorphic ventricular tachycardia (CVPT). Also called: Catecholamine-induced polymorphic ventricular tachycardia. Identifiers: Orphanet 3286, MedGen C5574922, MONDO:0017990.
Cardiovascular phenotype. Identifiers: MedGen CN230736.
Cardiomyopathy (CMYO). Also called: Cardiomyopathies. Identifiers: Orphanet 167848, MedGen C0878544, MONDO:0004994, HP:0001638. Inheritance: Various modes of inheritance.

Allele frequency attached by ClinVar (database versions not stated): TOPMed 0.00001.
gnomAD v4.1: 4 of 1,613,684 alleles (0.00025%); highest among the groups gnomAD compares: African/African-American, 0.0013%; no homozygotes.

Submissions (4):

Color Diagnostics, LLC DBA Color Health
Classification: Uncertain significance for Cardiomyopathy. Last evaluated: 2025-09-30. Review status: criteria provided, single submitter. Criteria: ACMG Guidelines, 2015. Collection method: clinical testing. Allele origin: germline.
Comment: This missense variant replaces valine with leucine at codon 2435 of the RYR2 protein. Computational prediction is inconclusive regarding the impact of this variant on protein structure and function. To our knowledge, functional studies have not been reported for this variant. This variant has been reported in an individual affected with cardiomyopathy or arrhythmia (PMID: 35947370). This variant has been identified in 4/1613684 chromosomes in the general population by the Genome Aggregation Database (gnomAD). The available evidence is insufficient to determine the role of this variant in disease conclusively. Therefore, this variant is classified as a Variant of Uncertain Significance.

Labcorp Genetics (formerly Invitae), Labcorp
Classification: Uncertain significance for Catecholaminergic polymorphic ventricular tachycardia 1. Last evaluated: 2025-03-23. Review status: criteria provided, single submitter. Criteria: Invitae Variant Classification Sherloc (09022015). Collection method: clinical testing. Allele origin: germline.
Comment: This sequence change replaces valine, which is neutral and non-polar, with leucine, which is neutral and non-polar, at codon 2435 of the RYR2 protein (p.Val2435Leu). This variant is present in population databases (no rsID available, gnomAD 0.0009%). This variant has not been reported in the literature in individuals affected with RYR2-related conditions. ClinVar contains an entry for this variant (Variation ID: 1023404). Invitae Evidence Modeling of protein sequence and biophysical properties (such as structural, functional, and spatial information, amino acid conservation, physicochemical variation, residue mobility, and thermodynamic stability) indicates that this missense variant is expected to disrupt RYR2 protein function with a positive predictive value of 95%. In summary, the available evidence is currently insufficient to determine the role of this variant in disease. Therefore, it has been classified as a Variant of Uncertain Significance.

Ambry Genetics
Classification: Uncertain significance for Cardiovascular phenotype. Last evaluated: 2025-02-18. Review status: criteria provided, single submitter. Criteria: Ambry Variant Classification Scheme 2023. Collection method: clinical testing. Allele origin: germline.
Comment: The p.V2435L variant (also known as c.7303G>C), located in coding exon 48 of the RYR2 gene, results from a G to C substitution at nucleotide position 7303. The valine at codon 2435 is replaced by leucine, an amino acid with highly similar properties. This amino acid position is highly conserved in available vertebrate species. In addition, the in silico prediction for this alteration is inconclusive. Since supporting evidence is limited at this time, the clinical significance of this alteration remains unclear.

All of Us Research Program, National Institutes of Health
Classification: Uncertain significance for Catecholaminergic polymorphic ventricular tachycardia. Last evaluated: 2024-03-05. Review status: criteria provided, single submitter. Criteria: ACMG Guidelines, 2015. Collection method: clinical testing. Allele origin: germline. Inheritance: Autosomal dominant inheritance. Observed: 1 variant allele, 1 heterozygote.
Comment: This study involves interpretation of variants in research participants for the purpose of population health screening. Participant phenotype was not available at the time of variant classification. Additional details can be found in publication PMID: 35346344, PMCID: PMC8962531

Literature cited by the submitters: PubMed 35947370 (cited by Color Diagnostics, LLC DBA Color Health).